The following is an entry in ClinVar:

ClinVar aggregate classification (germline): Likely pathogenic (1 of 4 stars; one submission).

Conditions:
Pheochromocytoma/paraganglioma syndrome 5. Also called: Paragangliomas 5; SDHA-Related Hereditary Paraganglioma-Pheochromocytoma Syndrome. Identifiers: Orphanet 29072, MedGen C3279992, MONDO:0013602, OMIM 614165.

Submission:

Myriad Genetics, Inc.
Classification: Likely pathogenic for Pheochromocytoma/paraganglioma syndrome 5. Last evaluated: 2024-08-07. Review status: criteria provided, single submitter. Criteria: Myriad Autosomal Dominant, Autosomal Recessive and X-Linked Classification Criteria (2023). Collection method: clinical testing. Allele origin: unknown.
Comment: This variant is considered likely pathogenic. This variant occurs within a consensus splice junction and is predicted to result in abnormal mRNA splicing of either an out-of-frame exon or an in-frame exon necessary for protein stability and/or normal function.

NM_004168.4(SDHA):c.1551+1G>C

Gene: SDHA (succinate dehydrogenase complex flavoprotein subunit A; plus strand). Cytogenetic location: 5p15.33.
Variant type: single nucleotide variant.
Coding change: c.1551+1G>C on transcript NM_004168.4 (MANE Select); the canonical splice donor site of the intron after coding-DNA position 1551, G replaced by C.
Molecular consequence: splice donor variant.
Genome position (GRCh38, 1-based): chr5:240,477, G>C. VCF-style: chr5-240477-G-C. GRCh37 (hg19) VCF-style: chr5-240592-G-C.
Other names: c.1551+1G>C (NM_001330758.2); c.1407+1G>C (NM_001294332.2).
Identifiers: ClinVar variation 3379116 (VCV003379116.1).